The following is an entry in ClinVar:

ClinVar aggregate classification (germline): Likely benign (1 of 4 stars; one submission).

Submission:

CeGaT Center for Human Genetics Tuebingen
Classification: Likely benign. Last evaluated: 2025-08-01. Review status: criteria provided, single submitter. Criteria: CeGaT Center For Human Genetics Tuebingen Variant Classification Criteria Version 2. Collection method: clinical testing. Allele origin: germline. Affected: yes. Observed: 1 variant allele.
Comment: COQ9: PM2:Supporting, BP4, BP7

NM_020312.4(COQ9):c.33C>A (p.Gly11=)

Genes: COQ9 (coenzyme Q9; plus strand), LOC112469007 (Sharpr-MPRA regulatory region 5957; plus strand). Cytogenetic location: 16q21.
Variant type: single nucleotide variant.
Coding change: c.33C>A on transcript NM_020312.4 (MANE Select); coding-DNA position 33, C replaced by A.
Protein change: p.Gly11=; no amino-acid change (glycine 11 retained).
Molecular consequence: synonymous variant.
Genome position (GRCh38, 1-based): chr16:57,447,538, C>A. VCF-style: chr16-57447538-C-A. GRCh37 (hg19) VCF-style: chr16-57481450-C-A.
Identifiers: ClinVar variation 4085054 (VCV004085054.8).